The following is an entry in ClinVar:

NC_000022.11:g.(?_20982372)_(20997348_?)dup

Gene: LZTR1 (leucine zipper like post translational regulator 1; plus strand). Cytogenetic location: 22q11.21.
Variant type: Duplication.
Identifiers: ClinVar variation 832532 (VCV000832532.5).

ClinVar aggregate classification (germline): Uncertain significance (1 of 4 stars; one submission).

Submission:

Labcorp Genetics (formerly Invitae), Labcorp
Classification: Uncertain significance. Last evaluated: 2022-10-31. Review status: criteria provided, single submitter. Criteria: Invitae Variant Classification Sherloc (09022015). Collection method: clinical testing. Allele origin: germline.
Comment: A copy number gain of the genomic region encompassing the full coding sequence of the LZTR1 gene has been identified. The boundaries of this event are unknown as they extend beyond the assayed region for this gene and therefore may encompass additional genes. As the precise location of this event is unknown, it may be in tandem or it may be located elsewhere in the genome. This variant has not been reported in the literature in individuals affected with LZTR1-related conditions. Experimental studies and prediction algorithms are not available or were not evaluated, and the functional significance of this variant is currently unknown. In summary, the available evidence is currently insufficient to determine the role of this variant in disease. Therefore, it has been classified as a Variant of Uncertain Significance.